The following is an entry in ClinVar:

ClinVar aggregate classification (germline): Likely benign (1 of 4 stars; one submission).

Allele frequency attached by ClinVar (database versions not stated): gnomAD 0.00003.
gnomAD v4.1: 9 of 1,613,424 alleles (0.00056%); highest among the groups gnomAD compares: Middle Eastern, 0.016%; no homozygotes.

Submission:

CeGaT Center for Human Genetics Tuebingen
Classification: Likely benign. Last evaluated: 2023-12-01. Review status: criteria provided, single submitter. Criteria: CeGaT Center For Human Genetics Tuebingen Variant Classification Criteria Version 2. Collection method: clinical testing. Allele origin: germline. Affected: yes. Observed: 1 variant allele.
Comment: DPP6: BP4, BP7

NM_130797.4(DPP6):c.1410C>T (p.Pro470=)

Gene: DPP6 (dipeptidyl peptidase like 6; plus strand). Cytogenetic location: 7q36.2.
Variant type: single nucleotide variant.
Coding change: c.1410C>T on transcript NM_130797.4 (MANE Select); coding-DNA position 1410, C replaced by T.
Protein change: p.Pro470=; no amino-acid change (proline 470 retained).
Molecular consequence: synonymous variant. On other transcripts: non-coding transcript variant (2).
Genome position (GRCh38, 1-based): chr7:154,803,866, C>T. VCF-style: chr7-154803866-C-T. GRCh37 (hg19) VCF-style: chr7-154595576-C-T.
Other names: c.1218C>T, p.Pro406= (NM_001039350.3); c.1089C>T, p.Pro363= (NM_001290252.2); c.1227C>T, p.Pro409= (NM_001364497.2, NM_001364498.2, NM_001364499.2 and 1 more transcripts); c.1224C>T, p.Pro408= (NM_001936.5).
Identifiers: ClinVar variation 3026401 (VCV003026401.22), dbSNP rs751320398, ClinGen allele CA169261148.